The following is an entry in ClinVar:

NM_001378457.1(DMXL2):c.1909G>C (p.Val637Leu)

Gene: DMXL2 (Dmx like 2; minus strand). Cytogenetic location: 15q21.2.
Variant type: single nucleotide variant.
Coding change: c.1909G>C on transcript NM_001378457.1 (MANE Select); coding-DNA position 1909, G replaced by C.
Protein change: p.Val637Leu; replaces valine 637 with leucine.
Molecular consequence: missense variant. On other transcripts: non-coding transcript variant (2).
Genome position (GRCh38, 1-based): chr15:51,536,571, C>G on the plus strand (G>C on the coding strand, the complement: DMXL2 is on the minus strand). VCF-style: chr15-51536571-C-G. GRCh37 (hg19) VCF-style: chr15-51828768-C-G.
Other names: c.1909G>C, p.Val637Leu (NM_001174116.3, NM_001174117.3, NM_001378458.1 and 6 more transcripts); c.1669G>C, p.Val557Leu (NM_001378464.1); short protein forms V637L, V557L.
Identifiers: ClinVar variation 3016192 (VCV003016192.3), dbSNP rs1283324679, ClinGen allele CA392467002.
Genomic context (GRCh38, chr15:51,536,571, plus strand): 5'-CCAGGTCATTGAGGTGAAATCGATGACCGCAATATCTAAATTTGTGAGATACAGTTAGAA[C>G]AGTGGTAAAGGCAGACTTATCAGCAAAAGTGACTGCCCACTGATTTAAAGAACCATCTAT-3'
Protein context (NP_001365386.1, residues 627-647): TFADKSAFTT[Val637Leu]LTVSHKFRYC

ClinVar aggregate classification (germline): Uncertain significance (1 of 4 stars; one submission).

Allele frequency attached by ClinVar (database versions not stated): gnomAD exomes 0.00001.
gnomAD v4.1: 16 of 1,613,890 alleles (0.00099%); highest among the groups gnomAD compares: Non-Finnish European, 0.0014%; no homozygotes.

Submission:

Labcorp Genetics (formerly Invitae), Labcorp
Classification: Uncertain significance. Last evaluated: 2024-04-17. Review status: criteria provided, single submitter. Criteria: Invitae Variant Classification Sherloc (09022015). Collection method: clinical testing. Allele origin: germline.
Comment: This sequence change replaces valine, which is neutral and non-polar, with leucine, which is neutral and non-polar, at codon 637 of the DMXL2 protein (p.Val637Leu). This variant is present in population databases (no rsID available, gnomAD 0.002%). This variant has not been reported in the literature in individuals affected with DMXL2-related conditions. An algorithm developed to predict the effect of missense changes on protein structure and function (PolyPhen-2) suggests that this variant is likely to be disruptive. In summary, the available evidence is currently insufficient to determine the role of this variant in disease. Therefore, it has been classified as a Variant of Uncertain Significance.